The following is an entry in ClinVar:

ClinVar aggregate classification (germline): Uncertain significance (1 of 4 stars; one submission).

Conditions:
Neurodevelopmental disorder with hypotonia, stereotypic hand movements, and impaired language. Also called: Intellectual disability, autosomal dominant 20. Identifiers: Orphanet 228384, Orphanet 664410, MedGen C3150700, MONDO:0013266, OMIM 613443.

gnomAD v4.1: 10 of 1,481,626 alleles (0.00067%); highest among the groups gnomAD compares: Non-Finnish European, 0.0009%; no homozygotes.

Submission:

Labcorp Genetics (formerly Invitae), Labcorp
Classification: Uncertain significance for Neurodevelopmental disorder with hypotonia, stereotypic hand movements, and impaired language. Last evaluated: 2026-01-26. Review status: criteria provided, single submitter. Criteria: Invitae Variant Classification Sherloc (09022015). Collection method: clinical testing. Allele origin: germline.
Comment: This sequence change replaces serine, which is neutral and polar, with glycine, which is neutral and non-polar, at codon 326 of the MEF2C protein (p.Ser326Gly). This variant is not present in population databases (gnomAD no frequency). This variant has not been reported in the literature in individuals affected with MEF2C-related conditions. ClinVar contains an entry for this variant (Variation ID: 3607806). Invitae Evidence Modeling of protein sequence and biophysical properties (such as structural, functional, and spatial information, amino acid conservation, physicochemical variation, residue mobility, and thermodynamic stability) indicates that this missense variant is not expected to disrupt MEF2C protein function with a negative predictive value of 95%. In summary, the available evidence is currently insufficient to determine the role of this variant in disease. Therefore, it has been classified as a Variant of Uncertain Significance.

NM_002397.5(MEF2C):c.976A>G (p.Ser326Gly)

Gene: MEF2C (myocyte enhancer factor 2C; minus strand). Cytogenetic location: 5q14.3.
Variant type: single nucleotide variant.
Coding change: c.976A>G on transcript NM_002397.5 (MANE Select); coding-DNA position 976, A replaced by G.
Protein change: p.Ser326Gly; replaces serine 326 with glycine.
Molecular consequence: missense variant.
Genome position (GRCh38, 1-based): chr5:88,728,617, T>C on the plus strand (A>G on the coding strand, the complement: MEF2C is on the minus strand). VCF-style: chr5-88728617-T-C. GRCh37 (hg19) VCF-style: chr5-88024434-T-C.
Other names: c.946A>G, p.Ser316Gly (NM_001131005.2, NM_001364343.2, NM_001364352.2); c.1006A>G, p.Ser336Gly (NM_001193347.1, NM_001364338.2); c.808A>G, p.Ser270Gly (NM_001193348.1); c.832A>G, p.Ser278Gly (NM_001193349.3, NM_001364332.2, NM_001364355.2 and 2 more transcripts); c.976A>G, p.Ser326Gly (NM_001193350.2, NM_001363581.2, NM_001364329.2 and 9 more transcripts); c.952A>G, p.Ser318Gly (NM_001308002.3, NM_001364333.2, NM_001364339.2 and 6 more transcripts); c.598A>G, p.Ser200Gly (NM_001364356.2, NM_001364353.2); c.526A>G, p.Ser176Gly (NM_001364357.2); short protein forms S176G, S200G, S270G, S278G, S316G, S318G, S326G, S336G.
Identifiers: ClinVar variation 3607806 (VCV003607806.2).
Genomic context (GRCh38, chr5:88,728,617, plus strand): 5'-AACCAAGGTGAAGAGCGCTGGCGGTGTTAAACCCAGACAGAGATGACAGGTCTGCACTAC[T>C]CAGAGAGTACTCTAGATTAAAGAATAAAACAACAAGGGAAAATATTAAATTTAGAAATTA-3'
Protein context (NP_002388.2, residues 316-336): STTYGTEYSL[Ser326Gly]SADLSSLSGF